The following is an entry in ClinVar:

NM_000843.4(GRM6):c.541C>A (p.Leu181Ile)

Gene: GRM6 (glutamate metabotropic receptor 6; minus strand). Cytogenetic location: 5q35.3.
Variant type: single nucleotide variant.
Coding change: c.541C>A on transcript NM_000843.4 (MANE Select); coding-DNA position 541, C replaced by A.
Protein change: p.Leu181Ile; replaces leucine 181 with isoleucine.
Molecular consequence: missense variant.
Genome position (GRCh38, 1-based): chr5:178,992,047, G>T on the plus strand (C>A on the coding strand, the complement: GRM6 is on the minus strand). VCF-style: chr5-178992047-G-T. GRCh37 (hg19) VCF-style: chr5-178419048-G-T.
Other names: short protein forms L181I.
Identifiers: ClinVar variation 3363123 (VCV003363123.2).

ClinVar aggregate classification (germline): Uncertain significance (1 of 4 stars; one submission).

Conditions:
Congenital stationary night blindness 1C. Also called: Night blindness, congenital stationary (complete), 1C, autosomal recessive. Identifiers: Orphanet 215, MedGen C2750747, MONDO:0013183, OMIM 613216.

Submission:

SN ONGC Dept of Genetics and Molecular biology Vision Research Foundation
Classification: Uncertain significance for Congenital stationary night blindness 1C. Last evaluated: 2024-10-17. Review status: criteria provided, single submitter. Criteria: ACMG Guidelines, 2015. Collection method: research. Allele origin: biparental. Inheritance: Autosomal recessive inheritance. Affected: yes. Observed: 1 homozygote.
Comment: The p.(L181I) variant in GRM6 has been identified in an Indian study exhibiting an autosomal recessive inheritance pattern. This variant was found to segregate with the disease in both parents. Notably, it was absent in 100 screened control individuals.